The following is an entry in ClinVar:

NM_000089.4(COL1A2):c.1459G>A (p.Gly487Arg)

Gene: COL1A2 (collagen type I alpha 2 chain; plus strand). Cytogenetic location: 7q21.3.
Variant type: single nucleotide variant.
Coding change: c.1459G>A on transcript NM_000089.4 (MANE Select); coding-DNA position 1459, G replaced by A.
Protein change: p.Gly487Arg; replaces glycine 487 with arginine.
Molecular consequence: missense variant.
Genome position (GRCh38, 1-based): chr7:94,412,638, G>A. VCF-style: chr7-94412638-G-A. GRCh37 (hg19) VCF-style: chr7-94041950-G-A.
Other names: short protein forms G487R.
Identifiers: ClinVar variation 947920 (VCV000947920.9), dbSNP rs1791952936, ClinGen allele CA368221885.

ClinVar aggregate classification (germline): Pathogenic (1 of 4 stars; one submission).

Conditions:
Osteogenesis imperfecta type I (OI1). Also called: Lobstein's Disease; OI, TYPE I; OSTEOGENESIS IMPERFECTA TARDA; OSTEOGENESIS IMPERFECTA WITH BLUE SCLERAE; Osteogenesis imperfecta type 1; Lobstein disease. Identifiers: Orphanet 216796, Orphanet 666, MedGen C0023931, MONDO:0008146, OMIM 166200. Disease mechanism: loss of function.
Ehlers-Danlos syndrome, classic type, 1 (EDSCL1). Also called: Ehlers-Danlos syndrome, type 1; EHLERS-DANLOS SYNDROME, GRAVIS TYPE; EHLERS-DANLOS SYNDROME, SEVERE CLASSIC TYPE; EDS I; Ehlers-Danlos Syndrome, Classic Type, COL5A1-Related. Identifiers: MedGen C0268335, MONDO:0019567, OMIM 130000.

Submission:

Labcorp Genetics (formerly Invitae), Labcorp
Classification: Pathogenic for Osteogenesis imperfecta type I; Ehlers-Danlos syndrome, classic type, 1. Last evaluated: 2025-05-28. Review status: criteria provided, single submitter. Criteria: Invitae Variant Classification Sherloc (09022015). Collection method: clinical testing. Allele origin: germline.
Comment: This sequence change replaces glycine, which is neutral and non-polar, with arginine, which is basic and polar, at codon 487 of the COL1A2 protein (p.Gly487Arg). This variant is not present in population databases (gnomAD no frequency). This missense change has been observed in individuals with autosomal dominant osteogenesis imperfecta (PMID: 24501682). ClinVar contains an entry for this variant (Variation ID: 947920). Invitae Evidence Modeling of protein sequence and biophysical properties (such as structural, functional, and spatial information, amino acid conservation, physicochemical variation, residue mobility, and thermodynamic stability) indicates that this missense variant is expected to disrupt COL1A2 protein function with a positive predictive value of 95%. This variant disrupts the triple helix domain of COL1A2. Glycine residues within the Gly-Xaa-Yaa repeats of the triple helix domain are required for the structure and stability of fibrillar collagens (PMID: 7695699, 8218237, 19344236). In COL1A2, variants affecting these glycine residues are significantly enriched in individuals with disease (PMID: 9016532, 17078022) compared to the general population (ExAC). For these reasons, this variant has been classified as Pathogenic.

Literature cited by the submitters: PubMed 24501682; PubMed 7695699; PubMed 8218237; PubMed 19344236; PubMed 9016532; PubMed 17078022.